The following is an entry in ClinVar:

ClinVar aggregate classification (germline): Likely benign (0 of 4 stars; one submission).

Conditions:
TUBA4A-related disorder. Also called: TUBA4A-related condition.

gnomAD v4.1: 13 of 1,614,118 alleles (0.00081%); highest among the groups gnomAD compares: East Asian, 0.02%; no homozygotes.

Submission:

PreventionGenetics, part of Exact Sciences
Classification: Likely benign for TUBA4A-related condition. Last evaluated: 2024-09-23. Review status: no assertion criteria provided. Collection method: clinical testing. Allele origin: germline.
Comment: This variant is classified as likely benign based on ACMG/AMP sequence variant interpretation guidelines (Richards et al. 2015 PMID: 25741868, with internal and published modifications).

NM_006000.3(TUBA4A):c.342C>T (p.Ile114=)

Gene: TUBA4A (tubulin alpha 4a; minus strand). Cytogenetic location: 2q35.
Variant type: single nucleotide variant.
Coding change: c.342C>T on transcript NM_006000.3 (MANE Select); coding-DNA position 342, C replaced by T.
Protein change: p.Ile114=; no amino-acid change (isoleucine 114 retained).
Molecular consequence: synonymous variant.
Genome position (GRCh38, 1-based): chr2:219,251,598, G>A on the plus strand (C>T on the coding strand, the complement: TUBA4A is on the minus strand). VCF-style: chr2-219251598-G-A. GRCh37 (hg19) VCF-style: chr2-220116320-G-A.
Other names: c.297C>T, p.Ile99= (NM_001278552.2).
Identifiers: ClinVar variation 3356711 (VCV003356711.1).